The following is an entry in ClinVar:

NM_030662.4(MAP2K2):c.388A>G (p.Ile130Val)

Gene: MAP2K2 (mitogen-activated protein kinase kinase 2; minus strand). Cytogenetic location: 19p13.3.
Variant type: single nucleotide variant.
Coding change: c.388A>G on transcript NM_030662.4 (MANE Select); coding-DNA position 388, A replaced by G.
Protein change: p.Ile130Val; replaces isoleucine 130 with valine.
Molecular consequence: missense variant.
Genome position (GRCh38, 1-based): chr19:4,110,571, T>C on the plus strand (A>G on the coding strand, the complement: MAP2K2 is on the minus strand). VCF-style: chr19-4110571-T-C. GRCh37 (hg19) VCF-style: chr19-4110569-T-C.
Other names: c.388A>G (NM_030662.3); short protein forms I130V.
Identifiers: ClinVar variation 1447640 (VCV001447640.7), dbSNP rs1263759203, ClinGen allele CA403391454.

ClinVar aggregate classification (germline): Uncertain significance. Review status: criteria provided, multiple submitters, no conflicts (2 of 4 stars). 2 submissions from 2 submitters: Uncertain significance (2). Last evaluated 2024-01-22.

Conditions:
RASopathy. Also called: Noonan spectrum disorder; rasopathies. Identifiers: Orphanet 536391, MedGen C5555857, MONDO:0021060.
Cardiovascular phenotype. Identifiers: MedGen CN230736.

Allele frequency attached by ClinVar (database versions not stated): gnomAD exomes below 0.00001; TOPMed below 0.00001; gnomAD 0.00001.
gnomAD v4.1: 6 of 1,613,924 alleles (0.00037%); highest among the groups gnomAD compares: Non-Finnish European, 0.00042%; no homozygotes.

Submissions (2):

Ambry Genetics
Classification: Uncertain significance for Cardiovascular phenotype. Last evaluated: 2024-01-22. Review status: criteria provided, single submitter. Criteria: Ambry Variant Classification Scheme 2023. Collection method: clinical testing. Allele origin: germline.
Comment: The p.I130V variant (also known as c.388A>G), located in coding exon 3 of the MAP2K2 gene, results from an A to G substitution at nucleotide position 388. The isoleucine at codon 130 is replaced by valine, an amino acid with highly similar properties. This amino acid position is conserved. In addition, this alteration is predicted to be deleterious by in silico analysis. Based on the available evidence, the clinical significance of this alteration remains unclear.

Labcorp Genetics (formerly Invitae), Labcorp
Classification: Uncertain significance for RASopathy. Last evaluated: 2022-02-03. Review status: criteria provided, single submitter. Criteria: Invitae Variant Classification Sherloc (09022015). Collection method: clinical testing. Allele origin: germline.
Comment: In summary, the available evidence is currently insufficient to determine the role of this variant in disease. Therefore, it has been classified as a Variant of Uncertain Significance. Advanced modeling of protein sequence and biophysical properties (such as structural, functional, and spatial information, amino acid conservation, physicochemical variation, residue mobility, and thermodynamic stability) performed at Invitae indicates that this missense variant is expected to disrupt MAP2K2 protein function. This variant has not been reported in the literature in individuals affected with MAP2K2-related conditions. This variant is not present in population databases (gnomAD no frequency). This sequence change replaces isoleucine, which is neutral and non-polar, with valine, which is neutral and non-polar, at codon 130 of the MAP2K2 protein (p.Ile130Val).